The following is an entry in ClinVar:

NM_020937.4(FANCM):c.924G>A (p.Leu308=)

Gene: FANCM (FA complementation group M; plus strand). Cytogenetic location: 14q21.2.
Variant type: single nucleotide variant.
Coding change: c.924G>A on transcript NM_020937.4 (MANE Select); coding-DNA position 924, G replaced by A.
Protein change: p.Leu308=; no amino-acid change (leucine 308 retained).
Molecular consequence: synonymous variant.
Genome position (GRCh38, 1-based): chr14:45,151,402, G>A. VCF-style: chr14-45151402-G-A. GRCh37 (hg19) VCF-style: chr14-45620605-G-A.
Other names: c.924G>A (NM_020937.3); c.846G>A, p.Leu282= (NM_001308133.2); c.924G>A, p.Leu308= (NM_001308134.2).
Identifiers: ClinVar variation 1081147 (VCV001081147.15), dbSNP rs756513033, ClinGen allele CA7168888.

ClinVar aggregate classification (germline): Likely benign. Review status: criteria provided, multiple submitters, no conflicts (2 of 4 stars). 4 submissions from 4 submitters: Likely benign (4). Last evaluated 2026-01-28.

Conditions:
Fanconi anemia (FA). Also called: Fanconi's anemia. Identifiers: Orphanet 84, MedGen C0015625, MeSH D005199, MONDO:0019391.

Allele frequency attached by ClinVar (database versions not stated): gnomAD exomes below 0.00001; ExAC 0.00001; TOPMed 0.00002.
gnomAD v4.1: 6 of 1,613,482 alleles (0.00037%); highest among the groups gnomAD compares: Admixed American, 0.0017%; no homozygotes.

Submissions (4):

Labcorp Genetics (formerly Invitae), Labcorp
Classification: Likely benign for Fanconi anemia. Last evaluated: 2026-01-28. Review status: criteria provided, single submitter. Criteria: Invitae Variant Classification Sherloc (09022015). Collection method: clinical testing. Allele origin: germline.

CeGaT Center for Human Genetics Tuebingen
Classification: Likely benign. Last evaluated: 2026-01-01. Review status: criteria provided, single submitter. Criteria: CeGaT Center For Human Genetics Tuebingen Variant Classification Criteria Version 2. Collection method: clinical testing. Allele origin: germline. Affected: yes. Observed: 1 variant allele.
Comment: FANCM: BP4, BP7

Quest Diagnostics Nichols Institute San Juan Capistrano
Classification: Likely benign. Last evaluated: 2022-09-09. Review status: criteria provided, single submitter. Criteria: Quest Diagnostics criteria. Collection method: clinical testing. Allele origin: unknown.

Blueprint Genetics
Classification: Likely benign. Last evaluated: 2022-07-26. Review status: criteria provided, single submitter. Criteria: ACMG Guidelines, 2015. Collection method: clinical testing. Allele origin: germline.